The following continues an entry in ClinVar:

NM_007194.4(CHEK2):c.1100del (p.Thr367fs)

Gene: CHEK2. ClinVar aggregate classification (germline): Pathogenic. Pathogenic (76).

Submissions 31 to 54 of 99:

Genomics and Molecular Medicine Service, East Genomic Laboratory Hub, NHS Genomic Medicine Service
Classification: Pathogenic for NICE approved PARP inhibitor treatment. Last evaluated: 2024-08-12. Review status: criteria provided, single submitter. Criteria: ACGS Best Practice Guidelines for Variant Classification in Rare Disease 2020. Collection method: clinical testing. Allele origin: germline. Affected: yes.
Comment: PVS1,PS4

Department of Human Genetics, Hannover Medical School
Classification: Pathogenic for CHEK2-related cancer predisposition. Last evaluated: 2024-08-09. Review status: criteria provided, single submitter. Criteria: ACMG Guidelines, 2015. Collection method: clinical testing. Allele origin: germline. Inheritance: Autosomal dominant inheritance. Affected: yes.

Quest Diagnostics Nichols Institute San Juan Capistrano
Classification: Pathogenic. Last evaluated: 2024-07-30. Review status: criteria provided, single submitter. Criteria: Quest Diagnostics criteria. Collection method: clinical testing. Allele origin: unknown.
Comment: The CHEK2 c.1100del (p.Thr367Metfs*15) variant alters the translational reading frame of the CHEK2 mRNA and causes the premature termination of CHEK2 protein synthesis. This variant has been reported in the published literature in individuals with breast cancer and other cancers (PMIDs: 33471991 (2021), 31993860 (2020), 29522266 (2018), 28874143 (2017), 28779002 (2017), 26884562 (2016), 27223485 (2016), 15122511 (2004), 15087378 (2004), 11719428 (2001)). In addition, this variant has been reported to be a founder mutation in Northern European countries (PMID: 15492928 (2004)). The frequency of this variant in the general population, 0.0087 (219/25124 chromosomes (Genome Aggregation Database)), is consistent with pathogenicity. Based on the available information, this variant is classified as pathogenic.

Genomics and Molecular Medicine Service, East Genomic Laboratory Hub, NHS Genomic Medicine Service
Classification: Pathogenic for Inherited breast cancer and ovarian cancer. Last evaluated: 2024-06-14. Review status: criteria provided, single submitter. Criteria: ACGS Best Practice Guidelines for Variant Classification in Rare Disease 2020. Collection method: clinical testing. Allele origin: germline. Affected: yes.
Comment: the same text as in the submission from Genomics and Molecular Medicine Service, East Genomic Laboratory Hub, NHS Genomic Medicine Service above.

Fulgent Genetics
Classification: Pathogenic for Familial prostate cancer; Bone osteosarcoma; CHEK2-related cancer predisposition. Last evaluated: 2024-05-16. Review status: criteria provided, single submitter. Criteria: ACMG Guidelines, 2015. Collection method: clinical testing. Allele origin: germline.

Cambridge Genomics Laboratory, East Genomic Laboratory Hub, NHS Genomic Medicine Service
Classification: Pathogenic for Inherited breast cancer and ovarian cancer. Last evaluated: 2024-04-25. Review status: criteria provided, single submitter. Criteria: ACGS Best Practice Guidelines for Variant Classification in Rare Disease 2020. Collection method: clinical testing. Allele origin: germline. Affected: yes.
Comment: the same text as in the submission from Genomics and Molecular Medicine Service, East Genomic Laboratory Hub, NHS Genomic Medicine Service above.

Institute of Immunology and Genetics Kaiserslautern
Classification: Pathogenic for CHEK2-related cancer predisposition. Last evaluated: 2024-04-24. Review status: criteria provided, single submitter. Criteria: ACMG Guidelines, 2015. Collection method: clinical testing. Allele origin: germline. Affected: yes.
Comment: ACMG Criteria: PVS1, PS3, PS4, PP4, PP5 Variant was found in heterozygous state

Baylor Genetics
Classification: Pathogenic for Familial cancer of breast. Last evaluated: 2024-03-30. Review status: criteria provided, single submitter. Criteria: ACMG Guidelines, 2015. Collection method: clinical testing. Allele origin: unknown. Study: CSER-TexasKidsCanSeq.

Institute of Human Genetics, University of Leipzig Medical Center
Classification: Pathogenic for Familial prostate cancer. Last evaluated: 2024-03-15. Review status: criteria provided, single submitter. Criteria: ACMG Guidelines, 2015. Collection method: clinical testing. Allele origin: unknown. Inheritance: Autosomal dominant inheritance. Affected: yes.
Comment: Criteria applied: PVS1,PS3,PS4_MOD

Institute of Human Genetics, University of Leipzig Medical Center
Classification: Pathogenic for Li-Fraumeni syndrome 1. Last evaluated: 2023-10-26. Review status: criteria provided, single submitter. Criteria: ACMG Guidelines, 2015. Collection method: clinical testing. Allele origin: unknown. Inheritance: Autosomal dominant inheritance. Affected: yes.
Comment: Criteria applied: PVS1,PS3,PS4

Institute of Human Genetics, University of Leipzig Medical Center
Classification: Pathogenic for Colorectal cancer. Last evaluated: 2023-06-09. Review status: criteria provided, single submitter. Criteria: ACMG Guidelines, 2015. Collection method: clinical testing. Allele origin: unknown. Inheritance: Autosomal dominant inheritance. Affected: yes.
Comment: Criteria applied: PVS1,PS3,PS4,PM2_SUP

Clinical Genetics Laboratory, Skane University Hospital Lund
Classification: Pathogenic. Last evaluated: 2023-05-05. Review status: criteria provided, single submitter. Criteria: ACMG Guidelines, 2015. Collection method: clinical testing. Allele origin: germline. Affected: yes.

Institute for Genomic Medicine (IGM) Clinical Laboratory, Nationwide Children's Hospital
Classification: Pathogenic for CHEK2-related cancer predisposition. Last evaluated: 2023-03-13. Review status: criteria provided, single submitter. Criteria: ACMG Guidelines, 2015. Collection method: clinical testing. Allele origin: germline.
Comment: This variant is predicted to result in loss of function through nonsense-mediated decay of the encoded transcript or premature truncation of the encoded protein in a gene in which loss of function is a known mechanism of disease (ACMG/AMP: PVS1; PMIDs:15361853, 24879340). Well-established functional studies have demonstrated this variant to have a damaging effect on protein function or splicing (ACMG/AMP: PS3; PMID:11719428). This variant has been reported at an elevated frequency in affected individuals/in multiple affected individuals in the literature (ACMG/AMP: PS4; PMIDs:25431674, 10617473, 18172190).

Myriad Genetics, Inc.
Classification: Pathogenic for Familial cancer of breast. Last evaluated: 2023-03-09. Review status: criteria provided, single submitter. Criteria: Myriad Autosomal Dominant, Autosomal Recessive and X-Linked Classification Criteria (2023). Collection method: clinical testing. Allele origin: unknown.
Comment: This variant is considered pathogenic. This variant creates a frameshift predicted to result in premature protein truncation.

Centre for Mendelian Genomics, University Medical Centre Ljubljana
Classification: Pathogenic for Familial cancer of breast. Last evaluated: 2022-12-09. Review status: criteria provided, single submitter. Criteria: ACMG Guidelines, 2015. Collection method: research. Allele origin: germline. Affected: no.
Comment: PVS1, PS3, PS4_STR, BS1

Laboratorio de Genetica e Diagnostico Molecular, Hospital Israelita Albert Einstein
Classification: Pathogenic for Familial cancer of breast. Last evaluated: 2022-10-29. Review status: criteria provided, single submitter. Criteria: ACMG Guidelines, 2015. Collection method: clinical testing. Allele origin: germline. Affected: yes. Observed: 1 variant allele.
Comment: ACMG classification criteria: PVS1 very strong, PS3 supporting, PS4 strong

HudsonAlpha Institute for Biotechnology
Classification: Pathogenic for Familial cancer of breast; Colorectal cancer; Familial prostate cancer. Last evaluated: 2022-09-26. Review status: criteria provided, single submitter. Criteria: ACMG Guidelines, 2015. Collection method: research. Allele origin: unknown. Observed: 1 variant allele. Study: HudsonAlpha-COAGS.

MGZ Medical Genetics Center
Classification: Pathogenic for Familial cancer of breast. Last evaluated: 2022-08-24. Review status: criteria provided, single submitter. Criteria: ACMG Guidelines, 2015. Collection method: clinical testing. Allele origin: germline. Affected: yes. Observed: 23 variant alleles.
Comment: ACMG criteria applied: PVS1, PS3_MOD, PS4_SUP

Human Genetics Bochum, Ruhr University Bochum
Classification: Pathogenic for Colorectal cancer. Last evaluated: 2022-07-01. Review status: criteria provided, single submitter. Criteria: ACMG Guidelines, 2015. Collection method: clinical testing. Allele origin: germline. Affected: yes.
Comment: ACMG criteria used to clasify this variant: PVS1, PS3, PS4

National Health Laboratory Service, Universitas Academic Hospital and University of the Free State
Classification: Pathogenic for Hereditary breast ovarian cancer syndrome. Last evaluated: 2022-04-19. Review status: criteria provided, single submitter. Criteria: ACMG Guidelines, 2015. Collection method: clinical testing. Allele origin: germline. Affected: yes. Observed: 1 variant allele.

Cancer Variant Interpretation Group UK, Institute of Cancer Research, London
Classification: Pathogenic for Hereditary cancer-predisposing syndrome. Last evaluated: 2022-04-08. Review status: criteria provided, single submitter. Criteria: CanVIG CHEK2 Gene Specific Guidelines V1.0. Collection method: case-control. Allele origin: germline. Affected: yes.
Comment: Data included in classification: Deletion resulting in frameshift (PVS1_vstr) The CHEK2 Breast Cancer Consortium (DOI 10.1038/ng879). 1.1% in healthy individuals/5.1% of individuals with breast cancer from 718 families that do not carry mutations in BRCA1 or BRCA2 (P = 0.00000003) (PS4_str) Data not included in classification: Weischer et al 2008 (DOI 10.1200/jco.2007.12.5922) OR 4.8 (95% CI, 3.3 to 7.2) for familial breast cancer, OR is above 2 with lower CI ≥1.5. Wu et al., 2001 (PMID: 11053450), assay reports loss of kinase activity in functional studies.

Institute for Clinical Genetics, University Hospital TU Dresden, University Hospital TU Dresden
Classification: Pathogenic. Last evaluated: 2021-11-03. Review status: criteria provided, single submitter. Criteria: ACMG Guidelines, 2015. Collection method: clinical testing. Allele origin: germline.

Greenwood Genetic Center Diagnostic Laboratories, Greenwood Genetic Center
Classification: Pathogenic for Familial cancer of breast. Last evaluated: 2021-11-01. Review status: criteria provided, single submitter. Criteria: ACMG Guidelines, 2015. Collection method: clinical testing. Allele origin: germline.
Comment: PVS1, PS4, PS3

AiLife Diagnostics
Classification: Pathogenic. Last evaluated: 2021-10-11. Review status: criteria provided, single submitter. Criteria: ACMG Guidelines, 2015. Collection method: clinical testing. Allele origin: germline. Affected: yes. Observed: 3 variant alleles.